The following is an entry in ClinVar:

ClinVar aggregate classification (germline): Uncertain significance (1 of 4 stars; one submission).

Conditions:
Myofibrillar myopathy 6. Identifiers: Orphanet 199340, MedGen C2751831, MONDO:0013061, OMIM 612954.
Dilated cardiomyopathy 1HH (CMD1HH). Identifiers: Orphanet 154, MedGen C3151293, MONDO:0013479, OMIM 613881.

Allele frequency attached by ClinVar (database versions not stated): gnomAD exomes 0.00001.
gnomAD v4.1: 3 of 1,572,100 alleles (0.00019%); highest among the groups gnomAD compares: Non-Finnish European, 0.00026%; no homozygotes.

Submission:

Labcorp Genetics (formerly Invitae), Labcorp
Classification: Uncertain significance for Dilated cardiomyopathy 1HH; Myofibrillar myopathy 6. Last evaluated: 2023-12-02. Review status: criteria provided, single submitter. Criteria: Invitae Variant Classification Sherloc (09022015). Collection method: clinical testing. Allele origin: germline.
Comment: This sequence change replaces glutamic acid, which is acidic and polar, with glycine, which is neutral and non-polar, at codon 57 of the BAG3 protein (p.Glu57Gly). This variant is not present in population databases (gnomAD no frequency). This variant has not been reported in the literature in individuals affected with BAG3-related conditions. An algorithm developed to predict the effect of missense changes on protein structure and function (PolyPhen-2) suggests that this variant is likely to be tolerated. In summary, the available evidence is currently insufficient to determine the role of this variant in disease. Therefore, it has been classified as a Variant of Uncertain Significance.

NM_004281.4(BAG3):c.170A>G (p.Glu57Gly)

Gene: BAG3 (BAG cochaperone 3; plus strand). Cytogenetic location: 10q26.11.
Variant type: single nucleotide variant.
Coding change: c.170A>G on transcript NM_004281.4 (MANE Select); coding-DNA position 170, A replaced by G.
Protein change: p.Glu57Gly; replaces glutamic acid 57 with glycine.
Molecular consequence: missense variant.
Genome position (GRCh38, 1-based): chr10:119,651,845, A>G. VCF-style: chr10-119651845-A-G. GRCh37 (hg19) VCF-style: chr10-121411357-A-G.
Other names: short protein forms E57G.
Identifiers: ClinVar variation 2936079 (VCV002936079.3), dbSNP rs2493980211, ClinGen allele CA378294325.
Genomic context (GRCh38, chr10:119,651,845, plus strand): 5'-CCTTCTTCGTGGACCACAACAGCCGCACCACTACGTGGAACGACCCGCGCGTGCCCTCTG[A>G]GGGCCCCAAGGTGAGCCGGGCCCGCGGCCCGCCCTGGTCGGTGGCGCCACCTCGACGGCA-3'
Protein context (NP_004272.2, residues 47-67): TTWNDPRVPS[Glu57Gly]GPKETPSSAN